The following is an entry in ClinVar:

NM_144997.7(FLCN):c.981A>G (p.Ala327=)

Gene: FLCN (folliculin; minus strand). Cytogenetic location: 17p11.2.
Variant type: single nucleotide variant.
Coding change: c.981A>G on transcript NM_144997.7 (MANE Select); coding-DNA position 981, A replaced by G.
Protein change: p.Ala327=; no amino-acid change (alanine 327 retained).
Molecular consequence: synonymous variant.
Genome position (GRCh38, 1-based): chr17:17,219,100, T>C on the plus strand (A>G on the coding strand, the complement: FLCN is on the minus strand). VCF-style: chr17-17219100-T-C. GRCh37 (hg19) VCF-style: chr17-17122414-T-C.
Other names: c.1035A>G, p.Ala345= (NM_001353229.2); c.981A>G, p.Ala327= (NM_001353230.2, NM_001353231.2).
Identifiers: ClinVar variation 703204 (VCV000703204.12), dbSNP rs763078516, ClinGen allele CA8416181.

ClinVar aggregate classification (germline): Benign/Likely benign. Review status: criteria provided, multiple submitters, no conflicts (2 of 4 stars). 5 submissions from 5 submitters: Benign (1); Likely benign (4). Last evaluated 2025-10-21.

Conditions:
Colorectal cancer. Also called: Malignant Colorectal Neoplasm; Colorectal cancer, somatic. Identifiers: MedGen C0346629, MONDO:0005575, OMIM 114500.
Familial spontaneous pneumothorax (PSP). Identifiers: Orphanet 2903, MedGen C1868193, MONDO:0008259, OMIM 173600.
Nonpapillary renal cell carcinoma. Identifiers: Orphanet 422526, MedGen CN074294, MONDO:0007763, OMIM 144700.
17p11.2 microduplication syndrome (PTLS). Also called: CHROMOSOME 17p11.2 DUPLICATION SYNDROME; Potocki-Lupski syndrome; Duplication 17p11.2 syndrome; Potocki-Lupski syndrome (dup(17)(p11.2p11.2)). Identifiers: Orphanet 1713, MedGen C2931246, MONDO:0012574, OMIM 610883.
Birt-Hogg-Dube syndrome. Also called: Birt Hogg Dubé syndrome. Identifiers: Orphanet 122, MedGen C0346010, MONDO:0800444.
Hereditary cancer-predisposing syndrome. Also called: Neoplastic Syndromes, Hereditary; Hereditary neoplastic syndrome; Hereditary Cancer Syndrome; Tumor predisposition. Identifiers: Orphanet 140162, MedGen C0027672, MeSH D009386, MONDO:0015356.
Birt-Hogg-Dube syndrome 1 (BHD1). Also called: FIBROFOLLICULOMAS WITH TRICHODISCOMAS AND ACROCHORDONS. Identifiers: Orphanet 122, MedGen CN375946, MONDO:0800445, OMIM 135150.

Allele frequency attached by ClinVar (database versions not stated): ExAC 0.00001; gnomAD exomes 0.00001; TOPMed 0.00001.
gnomAD v4.1: 5 of 1,614,196 alleles (0.00031%); highest among the groups gnomAD compares: Non-Finnish European, 0.00034%; no homozygotes.

Submissions (5):

Labcorp Genetics (formerly Invitae), Labcorp
Classification: Likely benign for Birt-Hogg-Dube syndrome. Last evaluated: 2025-10-21. Review status: criteria provided, single submitter. Criteria: Invitae Variant Classification Sherloc (09022015). Collection method: clinical testing. Allele origin: germline.

Myriad Genetics, Inc.
Classification: Benign for Birt-Hogg-Dube syndrome 1. Last evaluated: 2024-10-23. Review status: criteria provided, single submitter. Criteria: Myriad Autosomal Dominant, Autosomal Recessive and X-Linked Classification Criteria (2023). Collection method: clinical testing. Allele origin: unknown.
Comment: This variant is considered benign. This variant is a silent/synonymous amino acid change and it is not expected to impact splicing.

Fulgent Genetics
Classification: Likely benign for Colorectal cancer; Birt-Hogg-Dube syndrome 1; Nonpapillary renal cell carcinoma; Familial spontaneous pneumothorax; 17p11.2 microduplication syndrome. Last evaluated: 2022-03-31. Review status: criteria provided, single submitter. Criteria: ACMG Guidelines, 2015. Collection method: clinical testing. Allele origin: unknown.

Ambry Genetics
Classification: Likely benign for Hereditary cancer-predisposing syndrome. Last evaluated: 2021-06-17. Review status: criteria provided, single submitter. Criteria: Ambry Variant Classification Scheme 2023. Collection method: clinical testing. Allele origin: germline.

Blueprint Genetics
Classification: Likely benign. Last evaluated: 2019-10-03. Review status: criteria provided, single submitter. Criteria: ACMG Guidelines, 2015. Collection method: clinical testing. Allele origin: germline.